The following is an entry in ClinVar:

NM_018294.6(CWF19L1):c.1152G>A (p.Glu384=)

Gene: CWF19L1 (CWF19 like cell cycle control factor 1; minus strand). Cytogenetic location: 10q24.31.
Variant type: single nucleotide variant.
Coding change: c.1152G>A on transcript NM_018294.6 (MANE Select); coding-DNA position 1152, G replaced by A.
Protein change: p.Glu384=; no amino-acid change (glutamic acid 384 retained).
Molecular consequence: synonymous variant.
Genome position (GRCh38, 1-based): chr10:100,238,124, C>T on the plus strand (G>A on the coding strand, the complement: CWF19L1 is on the minus strand). VCF-style: chr10-100238124-C-T. GRCh37 (hg19) VCF-style: chr10-101997881-C-T.
Other names: c.1152G>A, p.Glu384= (NM_001303404.2); c.741G>A, p.Glu247= (NM_001303405.2, NM_001303406.2); c.417G>A, p.Glu139= (NM_001303407.2).
Identifiers: ClinVar variation 3034201 (VCV003034201.2), dbSNP rs1268442138, ClinGen allele CA471156208.

ClinVar aggregate classification (germline): Likely benign (0 of 4 stars; one submission).

Conditions:
CWF19L1-related disorder. Also called: CWF19L1-related condition.

Allele frequency attached by ClinVar (database versions not stated): gnomAD exomes below 0.00001; gnomAD 0.00001; TOPMed 0.00001.

Submission:

PreventionGenetics, part of Exact Sciences
Classification: Likely benign for CWF19L1-related condition. Last evaluated: 2019-06-14. Review status: no assertion criteria provided. Collection method: clinical testing. Allele origin: germline.
Comment: This variant is classified as likely benign based on ACMG/AMP sequence variant interpretation guidelines (Richards et al. 2015 PMID: 25741868, with internal and published modifications).